The following is an entry in ClinVar:

ClinVar aggregate classification (germline): Uncertain significance (1 of 4 stars; one submission).

Allele frequency attached by ClinVar (database versions not stated): TOPMed below 0.00001.

Submission:

Ambry Genetics
Classification: Uncertain significance. Last evaluated: 2023-03-17. Review status: criteria provided, single submitter. Criteria: Ambry Variant Classification Scheme 2023. Collection method: clinical testing. Allele origin: germline.
Comment: The c.545_546dupCC variant, located in coding exon 5 of the KIF1B gene, results from a duplication of CC at nucleotide position 545, causing a translational frameshift with a predicted alternate stop codon (p.K183Pfs*29). This alteration is expected to result in loss of function by premature protein truncation or nonsense-mediated mRNA decay. The evidence for this gene-disease relationship is limited; therefore, the clinical significance of this alteration is unclear.

NM_001365951.3(KIF1B):c.545_546dup (p.Lys183fs)

Gene: KIF1B (kinesin family member 1B; plus strand). Cytogenetic location: 1p36.22.
Variant type: Duplication.
Coding change: c.545_546dup on transcript NM_001365951.3 (MANE Select); coding-DNA positions 545 to 546, 2 bases duplicated (CC; older notation c.545_546dupCC).
Protein change: p.Lys183fs; shifts the reading frame from lysine 183.
Molecular consequence: frameshift variant.
Genome position (GRCh38, 1-based): chr1:10,267,495-10,267,496, CC duplicated. VCF-style (leftmost placement, unchanged base first): chr1-10267494-T-TCC. GRCh37 (hg19) VCF-style: chr1-10327552-T-TCC.
Other names: c.545_546dup, p.Lys183fs (NM_001365952.1, NM_001365953.1, NM_015074.3 and 1 more transcripts); c.545_546dupCC (NM_015074.3); short protein forms K183fs.
Identifiers: ClinVar variation 2561693 (VCV002561693.2), dbSNP rs1165549076, ClinGen allele CA884634983.